The following is an entry in ClinVar:

NM_000059.4(BRCA2):c.4460A>C (p.Lys1487Thr)

Gene: BRCA2 (BRCA2 DNA repair associated; plus strand). Cytogenetic location: 13q13.1.
Variant type: single nucleotide variant.
Coding change: c.4460A>C on transcript NM_000059.4 (MANE Select); coding-DNA position 4460, A replaced by C.
Protein change: p.Lys1487Thr; replaces lysine 1487 with threonine.
Molecular consequence: missense variant. On other transcripts: non-coding transcript variant (1), intron variant (2).
Genome position (GRCh38, 1-based): chr13:32,338,815, A>C. VCF-style: chr13-32338815-A-C. GRCh37 (hg19) VCF-style: chr13-32912952-A-C.
Other names: c.4460A>C, p.Lys1487Thr (NM_001406719.1, NM_001406720.1); c.1909+5428A>C (NM_001406721.1); c.425-5743A>C (NM_001406722.1); short protein forms K1487T.
Identifiers: ClinVar variation 3071448 (VCV003071448.2), dbSNP rs2137506605, ClinGen allele CA387781406.

ClinVar aggregate classification (germline): Uncertain significance. Review status: criteria provided, multiple submitters, no conflicts (2 of 4 stars). 2 submissions from 2 submitters: Uncertain significance (2). Last evaluated 2025-09-16.

Conditions:
Hereditary cancer-predisposing syndrome. Also called: Hereditary neoplastic syndrome; Neoplastic Syndromes, Hereditary; Tumor predisposition; Hereditary Cancer Syndrome. Identifiers: Orphanet 140162, MedGen C0027672, MeSH D009386, MONDO:0015356.
Breast-ovarian cancer, familial, susceptibility to, 2 (BROVCA2). Also called: BRCA2 Hereditary Breast and Ovarian Cancer. Identifiers: Orphanet 145, MedGen C2675520, MONDO:0012933, OMIM 612555. Disease mechanism: loss of function.

Allele frequency attached by ClinVar (database versions not stated): gnomAD exomes below 0.00001.

Submissions (2):

Color Diagnostics, LLC DBA Color Health
Classification: Uncertain significance for Hereditary cancer-predisposing syndrome. Last evaluated: 2025-09-16. Review status: criteria provided, single submitter. Criteria: ACMG Guidelines, 2015. Collection method: clinical testing. Allele origin: germline.
Comment: This missense variant replaces lysine with threonine at codon 1487 of the BRCA2 protein. Computational prediction suggests that this variant may not impact protein structure and function. To our knowledge, functional studies have not been reported for this variant. This variant has not been reported in individuals affected with BRCA2-related disorders in the literature. This variant has not been identified in the general population by the Genome Aggregation Database (gnomAD). The available evidence is insufficient to determine the role of this variant in disease conclusively. Therefore, this variant is classified as a Variant of Uncertain Significance.

All of Us Research Program, National Institutes of Health
Classification: Uncertain significance for Breast-ovarian cancer, familial, susceptibility to, 2. Last evaluated: 2023-06-27. Review status: criteria provided, single submitter. Criteria: ACMG Guidelines, 2015. Collection method: clinical testing. Allele origin: germline. Inheritance: Autosomal dominant inheritance. Observed: 1 variant allele, 1 heterozygote.
Comment: This study involves interpretation of variants in research participants for the purpose of population health screening. Participant phenotype was not available at the time of variant classification. Additional details can be found in publication PMID: 35346344, PMCID: PMC8962531